The following is an entry in ClinVar:

ClinVar aggregate classification (germline): Pathogenic (1 of 4 stars; one submission).

Conditions:
X-linked agammaglobulinemia with growth hormone deficiency (IGHD3). Also called: FLEISHER SYNDROME; HYPOGAMMAGLOBULINEMIA AND ISOLATED GROWTH HORMONE DEFICIENCY, X-LINKED; IGHD III; AGAMMAGLOBULINEMIA AND ISOLATED GROWTH HORMONE DEFICIENCY, X-LINKED; Isolated growth hormone deficiency type 3; Growth hormone deficiency with hypogammaglobulinemia. Identifiers: Orphanet 231692, Orphanet 631, MedGen C0472813, MONDO:0010615, OMIM 307200.

Submissions (2):

Labcorp Genetics (formerly Invitae), Labcorp
Classification: Pathogenic for X-linked agammaglobulinemia with growth hormone deficiency. Last evaluated: 2022-10-21. Review status: criteria provided, single submitter. Criteria: Invitae Variant Classification Sherloc (09022015). Collection method: clinical testing. Allele origin: germline.
Comment: For these reasons, this variant has been classified as Pathogenic. This variant disrupts the p.Arg544 amino acid residue in BTK. Other variant(s) that disrupt this residue have been determined to be pathogenic (PMID: 11438999, 17765309, 27512878). This suggests that this residue is clinically significant, and that variants that disrupt this residue are likely to be disease-causing. Studies have shown that this missense change is associated with altered splicing resulting in unknown protein product impact (PMID: 28359783). Algorithms developed to predict the effect of missense changes on protein structure and function (SIFT, PolyPhen-2, Align-GVGD) all suggest that this variant is likely to be disruptive. This variant is also known as c.1763A>G (R544G). This missense change has been observed in individual(s) with agammaglobulinemia (PMID: 10612838, 16729790, 28359783). In at least one individual the variant was observed to be de novo. This variant is not present in population databases (gnomAD no frequency). This sequence change replaces arginine, which is basic and polar, with glycine, which is neutral and non-polar, at codon 544 of the BTK protein (p.Arg544Gly).

Dr. Peter K. Rogan Lab, Western University
No classification provided (evidence only). Condition: Thyroid cancer, nonmedullary, 1. Review status: no classification provided. Collection method: in vitro. Allele origin: not applicable. Functional consequence: skipped exon. Not counted in ClinVar's aggregate classification.

Literature cited by the submitters: PubMed 11438999 (cited by Labcorp Genetics (formerly Invitae), Labcorp); PubMed 17765309 (cited by Labcorp Genetics (formerly Invitae), Labcorp); PubMed 27512878 (cited by Labcorp Genetics (formerly Invitae), Labcorp); PubMed 28359783 (cited by Labcorp Genetics (formerly Invitae), Labcorp); PubMed 10612838 (cited by Labcorp Genetics (formerly Invitae), Labcorp); PubMed 16729790 (cited by Labcorp Genetics (formerly Invitae), Labcorp).

NM_000061.3(BTK):c.1630A>G (p.Arg544Gly)

Gene: BTK (Bruton tyrosine kinase; minus strand). Cytogenetic location: Xq22.1.
Variant type: single nucleotide variant.
Coding change: c.1630A>G on transcript NM_000061.3 (MANE Select); coding-DNA position 1630, A replaced by G.
Protein change: p.Arg544Gly; replaces arginine 544 with glycine.
Molecular consequence: missense variant.
Genome position (GRCh38, 1-based): chrX:101,354,631, T>C on the plus strand (A>G on the coding strand, the complement: BTK is on the minus strand). VCF-style: chrX-101354631-T-C. GRCh37 (hg19) VCF-style: chrX-100609619-T-C.
Other names: c.1732A>G, p.Arg578Gly (NM_001287344.2); c.1102A>G, p.Arg368Gly (NM_001287345.2); short protein forms R368G, R544G, R578G.
Identifiers: ClinVar variation 2138645 (VCV002138645.5), dbSNP rs2520540378, ClinGen allele CA413921829.